The following is an entry in ClinVar:

NM_001111125.3(IQSEC2):c.187G>A (p.Glu63Lys)

Gene: IQSEC2 (IQ motif and Sec7 domain ArfGEF 2; minus strand). Cytogenetic location: Xp11.22.
Variant type: single nucleotide variant.
Coding change: c.187G>A on transcript NM_001111125.3 (MANE Select); coding-DNA position 187, G replaced by A.
Protein change: p.Glu63Lys; replaces glutamic acid 63 with lysine.
Molecular consequence: missense variant.
Genome position (GRCh38, 1-based): chrX:53,320,937, C>T on the plus strand (G>A on the coding strand, the complement: IQSEC2 is on the minus strand). VCF-style: chrX-53320937-C-T. GRCh37 (hg19) VCF-style: chrX-53350135-C-T.
Other names: c.187G>A, p.Glu63Lys (NM_001410736.1); short protein forms E63K.
Identifiers: ClinVar variation 2130340 (VCV002130340.4), dbSNP rs2520606449, ClinGen allele CA413239914.

ClinVar aggregate classification (germline): Uncertain significance (1 of 4 stars; one submission).

Conditions:
Intellectual developmental disorder, X-linked 1. Also called: Atkin Flaitz Patil Smith syndrome; Intellectual disability, X-linked 1; MENTAL RETARDATION, X-LINKED 18; MENTAL RETARDATION, X-LINKED 78. Identifiers: Orphanet 777, MedGen C2931498, MONDO:0010656, OMIM 309530.

Submission:

Labcorp Genetics (formerly Invitae), Labcorp
Classification: Uncertain significance for Intellectual developmental disorder, X-linked 1. Last evaluated: 2022-04-24. Review status: criteria provided, single submitter. Criteria: Invitae Variant Classification Sherloc (09022015). Collection method: clinical testing. Allele origin: germline.
Comment: This variant is not present in population databases (gnomAD no frequency). This sequence change replaces glutamic acid, which is acidic and polar, with lysine, which is basic and polar, at codon 63 of the IQSEC2 protein (p.Glu63Lys). This variant has not been reported in the literature in individuals affected with IQSEC2-related conditions. In summary, the available evidence is currently insufficient to determine the role of this variant in disease. Therefore, it has been classified as a Variant of Uncertain Significance. Advanced modeling of protein sequence and biophysical properties (such as structural, functional, and spatial information, amino acid conservation, physicochemical variation, residue mobility, and thermodynamic stability) performed at Invitae indicates that this missense variant is not expected to disrupt IQSEC2 protein function.